The following is an entry in ClinVar:

NM_001378615.1(CC2D2A):c.2182-2A>C

Genes: CC2D2A (coiled-coil and C2 domain containing 2A; plus strand), FBXL5 (F-box and leucine rich repeat protein 5; minus strand). Cytogenetic location: 4p15.32.
Variant type: single nucleotide variant.
Coding change: c.2182-2A>C on transcript NM_001378615.1 (MANE Select); the canonical splice acceptor site of the intron before coding-DNA position 2182, A replaced by C.
Molecular consequence: splice acceptor variant.
Genome position (GRCh38, 1-based): chr4:15,550,822, A>C. VCF-style: chr4-15550822-A-C. GRCh37 (hg19) VCF-style: chr4-15552445-A-C.
Other names: c.2182-2A>C (NM_001080522.2); c.2035-2A>C (NM_001378617.1).
Identifiers: ClinVar variation 4081607 (VCV004081607.1).

ClinVar aggregate classification (germline): Likely pathogenic (1 of 4 stars; one submission).

Conditions:
Joubert syndrome and related disorders. Identifiers: Orphanet 140874, MedGen C5679612, MONDO:0015369.

Submission:

Myriad Genetics, Inc.
Classification: Likely pathogenic for Joubert syndrome and related disorders. Last evaluated: 2025-05-09. Review status: criteria provided, single submitter. Criteria: Myriad Autosomal Dominant, Autosomal Recessive and X-Linked Classification Criteria (2023). Collection method: clinical testing. Allele origin: unknown.
Comment: NM_001080522.2(CC2D2A):c.2182-2A>C is a variant in a canonical splice site classified as likely pathogenic in the context of CC2D2A-related disorders. c.2182-2A>C has not been observed in cases with relevant disease. Relevant functional assessments of this variant are not available in the literature. c.2182-2A>C has not been observed in referenced population frequency databases. In summary, NM_001080522.2(CC2D2A):c.2182-2A>C is a variant in a canonical splice site in a gene where loss of function is a known mechanism of disease and is predicted to disrupt protein function. Please note: this variant was assessed in the context of healthy population screening.